The following is an entry in ClinVar:

ClinVar aggregate classification (germline): Likely benign (1 of 4 stars; one submission).

gnomAD v4.1: 1 of 1,607,786 alleles (0.000062%); highest among the groups gnomAD compares: Non-Finnish European, 0.000085%; no homozygotes.

Submission:

CeGaT Center for Human Genetics Tuebingen
Classification: Likely benign. Last evaluated: 2023-02-01. Review status: criteria provided, single submitter. Criteria: CeGaT Center For Human Genetics Tuebingen Variant Classification Criteria Version 2. Collection method: clinical testing. Allele origin: germline. Affected: yes. Observed: 1 variant allele.
Comment: NBEA: PM2:Supporting, BP4, BP7

NM_001385012.1(NBEA):c.7038A>C (p.Pro2346=)

Gene: NBEA (neurobeachin; plus strand). Cytogenetic location: 13q13.3.
Variant type: single nucleotide variant.
Coding change: c.7038A>C on transcript NM_001385012.1 (MANE Select); coding-DNA position 7038, A replaced by C.
Protein change: p.Pro2346=; no amino-acid change (proline 2346 retained).
Molecular consequence: synonymous variant.
Genome position (GRCh38, 1-based): chr13:35,583,900, A>C. VCF-style: chr13-35583900-A-C. GRCh37 (hg19) VCF-style: chr13-36158037-A-C.
Other names: c.417A>C, p.Pro139= (NM_001204197.3); c.7029A>C, p.Pro2343= (NM_001379245.1); c.7038A>C, p.Pro2346= (NM_015678.5).
Identifiers: ClinVar variation 2643762 (VCV002643762.24), dbSNP rs1207394721, ClinGen allele CA483209393.
Genomic context (GRCh38, chr13:35,583,900, plus strand): 5'-ATTATCTAGGATATCTAATATGACTGTATTAAACAAAATATTTTTTTTCTTTTAATAGCC[A>C]ATTGGTGCTTTGAACCCCAAGAGAGCTGTGTTTTATGCAGAGCGTTATGAGACATGGGAA-3'
Protein context (NP_001371941.1, residues 2336-2356): LPGNFRDLSK[Pro2346=]IGALNPKRAV